The following is an entry in ClinVar:

ClinVar aggregate classification (germline): Uncertain significance (1 of 4 stars; one submission).

Submission:

GeneDx
Classification: Uncertain significance. Last evaluated: 2025-01-21. Review status: criteria provided, single submitter. Criteria: GeneDx Variant Classification Process June 2021. Collection method: clinical testing. Allele origin: germline. Affected: yes.
Comment: Not observed at significant frequency in large population cohorts (gnomAD); In silico analysis supports that this missense variant has a deleterious effect on protein structure/function; Has not been previously published as pathogenic or benign to our knowledge

NM_006767.4(LZTR1):c.524G>A (p.Arg175Lys)

Gene: LZTR1 (leucine zipper like post translational regulator 1; plus strand). Cytogenetic location: 22q11.21.
Variant type: single nucleotide variant.
Coding change: c.524G>A on transcript NM_006767.4 (MANE Select); coding-DNA position 524, G replaced by A.
Protein change: p.Arg175Lys; replaces arginine 175 with lysine.
Molecular consequence: missense variant.
Genome position (GRCh38, 1-based): chr22:20,988,803, G>A. VCF-style: chr22-20988803-G-A. GRCh37 (hg19) VCF-style: chr22-21343092-G-A.
Other names: short protein forms R175K.
Identifiers: ClinVar variation 4071666 (VCV004071666.1).